The following is an entry in ClinVar:

NM_000059.4(BRCA2):c.8821C>T (p.Gln2941Ter)

Gene: BRCA2 (BRCA2 DNA repair associated; plus strand). Cytogenetic location: 13q13.1.
Variant type: single nucleotide variant.
Coding change: c.8821C>T on transcript NM_000059.4 (MANE Select); coding-DNA position 8821, C replaced by T.
Protein change: p.Gln2941Ter; replaces glutamine 2941 with a stop codon.
Molecular consequence: nonsense.
Genome position (GRCh38, 1-based): chr13:32,379,383, C>T. VCF-style: chr13-32379383-C-T. GRCh37 (hg19) VCF-style: chr13-32953520-C-T.
Other names: 9049C>T; short protein forms Q2941*.
Identifiers: ClinVar variation 52686 (VCV000052686.13), dbSNP rs397508012, ClinGen allele CA025837.

ClinVar aggregate classification (germline): Pathogenic. Review status: reviewed by expert panel (3 of 4 stars). 5 submissions from 5 submitters: Pathogenic (1). 4 of the submissions do not count toward it. Last evaluated 2016-10-18.

Conditions:
Hereditary cancer-predisposing syndrome. Also called: Hereditary neoplastic syndrome; Neoplastic Syndromes, Hereditary; Hereditary Cancer Syndrome; Tumor predisposition. Identifiers: Orphanet 140162, MedGen C0027672, MeSH D009386, MONDO:0015356.
Hereditary breast ovarian cancer syndrome. Also called: Hereditary breast and ovarian cancer; Breast and ovarian cancer; Hereditary breast and ovarian cancer syndrome; BRCA1- and BRCA2-Associated Hereditary Breast and Ovarian Cancer; Hereditary breast and ovarian cancer syndrome (HBOC); Hereditary breast and/or ovarian cancer syndrome. Identifiers: Orphanet 145, MedGen C0677776, MeSH D061325, MONDO:0003582. Disease mechanism: loss of function.
Breast-ovarian cancer, familial, susceptibility to, 2 (BROVCA2). Also called: BRCA2 Hereditary Breast and Ovarian Cancer. Identifiers: Orphanet 145, MedGen C2675520, MONDO:0012933, OMIM 612555. Disease mechanism: loss of function.
Familial cancer of breast. Also called: hereditary breast carcinoma; BREAST CANCER, FAMILIAL; Hereditary breast cancer. Identifiers: Orphanet 227535, MedGen C0346153, MONDO:0016419, OMIM 114480. Disease mechanism: loss of function.

Submissions (5):

Evidence-based Network for the Interpretation of Germline Mutant Alleles (ENIGMA)
Classification: Pathogenic for Breast-ovarian cancer, familial, susceptibility to, 2. Last evaluated: 2016-10-18. Review status: reviewed by expert panel. Criteria: ENIGMA BRCA1/2 Classification Criteria (2015). Collection method: curation. Allele origin: germline.
Comment: Variant allele predicted to encode a truncated non-functional protein.

Department of Clinical Genetics, Copenhagen University Hospital, Rigshospitalet
Classification: Pathogenic for Familial cancer of breast. Last evaluated: 2025-12-10. Review status: criteria provided, single submitter. Criteria: ACMG Guidelines, 2015. Collection method: clinical testing. Allele origin: germline. Not counted in ClinVar's aggregate classification.
Comment: The following ACMG criteria has been used: PM2_SUP; PVS1; PM5_Strong (PTC)

Labcorp Genetics (formerly Invitae), Labcorp
Classification: Pathogenic for Hereditary breast ovarian cancer syndrome. Last evaluated: 2023-04-04. Review status: criteria provided, single submitter. Criteria: Invitae Variant Classification Sherloc (09022015). Collection method: clinical testing. Allele origin: germline. Not counted in ClinVar's aggregate classification.
Comment: This sequence change creates a premature translational stop signal (p.Gln2941*) in the BRCA2 gene. It is expected to result in an absent or disrupted protein product. Loss-of-function variants in BRCA2 are known to be pathogenic (PMID: 20104584). This variant is not present in population databases (gnomAD no frequency). This premature translational stop signal has been observed in individual(s) with breast and/or ovarian cancer (PMID: 21318380, 28503720). ClinVar contains an entry for this variant (Variation ID: 52686). For these reasons, this variant has been classified as Pathogenic.

Ambry Genetics
Classification: Pathogenic for Hereditary cancer-predisposing syndrome. Last evaluated: 2022-11-22. Review status: criteria provided, single submitter. Criteria: Ambry Variant Classification Scheme 2023. Collection method: clinical testing. Allele origin: germline. Not counted in ClinVar's aggregate classification.
Comment: The p.Q2941* pathogenic mutation (also known as c.8821C>T), located in coding exon 21 of the BRCA2 gene, results from a C to T substitution at nucleotide position 8821. This changes the amino acid from a glutamine to a stop codon within coding exon 21. This alteration has been identified in individuals diagnosed with breast cancer (Hansen TV et al. Fam Cancer, 2011 Jun;10:207-12; Rummel SK et al. Breast Cancer Res Treat, 2017 Aug;164:593-601). This alteration was also identified in a large, worldwide study of BRCA1/2 mutation positive families (Rebbeck TR et al. Hum Mutat, 2018 May;39:593-620). This variant is considered to be rare based on population cohorts in the Genome Aggregation Database (gnomAD). In addition to the clinical data presented in the literature, this alteration is expected to result in loss of function by premature protein truncation or nonsense-mediated mRNA decay. As such, this alteration is interpreted as a disease-causing mutation.

Consortium of Investigators of Modifiers of BRCA1/2 (CIMBA), c/o University of Cambridge
Classification: Pathogenic for Breast-ovarian cancer, familial, susceptibility to, 2. Last evaluated: 2015-10-02. Review status: criteria provided, single submitter. Criteria: CIMBA Mutation Classification guidelines May 2016. Collection method: clinical testing. Allele origin: germline. Not counted in ClinVar's aggregate classification.

Literature cited by the submitters: PubMed 21318380 (cited by 3 submitters); PubMed 20104584 (cited by Labcorp Genetics (formerly Invitae), Labcorp); PubMed 28503720 (cited by Labcorp Genetics (formerly Invitae), Labcorp and Ambry Genetics); PubMed 29446198 (cited by Ambry Genetics).